The following is an entry in ClinVar:

NM_000143.4(FH):c.79G>A (p.Gly27Ser)

Gene: FH (fumarate hydratase; minus strand). Cytogenetic location: 1q43.
Variant type: single nucleotide variant.
Coding change: c.79G>A on transcript NM_000143.4 (MANE Select); coding-DNA position 79, G replaced by A.
Protein change: p.Gly27Ser; replaces glycine 27 with serine.
Molecular consequence: missense variant.
Genome position (GRCh38, 1-based): chr1:241,519,644, C>T on the plus strand (G>A on the coding strand, the complement: FH is on the minus strand). VCF-style: chr1-241519644-C-T. GRCh37 (hg19) VCF-style: chr1-241682944-C-T.
Other names: short protein forms G27S.
Identifiers: ClinVar variation 3278760 (VCV003278760.1).

ClinVar aggregate classification (germline): Uncertain significance (1 of 4 stars; one submission).

Conditions:
Hereditary cancer-predisposing syndrome. Also called: Tumor predisposition; Hereditary Cancer Syndrome; Hereditary neoplastic syndrome; Neoplastic Syndromes, Hereditary. Identifiers: Orphanet 140162, MedGen C0027672, MeSH D009386, MONDO:0015356.

Submission:

Ambry Genetics
Classification: Uncertain significance for Hereditary cancer-predisposing syndrome. Last evaluated: 2024-06-20. Review status: criteria provided, single submitter. Criteria: Ambry Variant Classification Scheme 2023. Collection method: clinical testing. Allele origin: germline.
Comment: The p.G27S variant (also known as c.79G>A), located in coding exon 1 of the FH gene, results from a G to A substitution at nucleotide position 79. The glycine at codon 27 is replaced by serine, an amino acid with similar properties. This amino acid position is not well conserved in available vertebrate species. In addition, the in silico prediction for this alteration is inconclusive. Based on the available evidence, the clinical significance of this variant remains unclear.